The following is an entry in ClinVar:

NM_000285.4(PEPD):c.751T>A (p.Ser251Thr)

Gene: PEPD (peptidase D; minus strand). Cytogenetic location: 19q13.11.
Variant type: single nucleotide variant.
Coding change: c.751T>A on transcript NM_000285.4 (MANE Select); coding-DNA position 751, T replaced by A.
Protein change: p.Ser251Thr; replaces serine 251 with threonine.
Molecular consequence: missense variant.
Genome position (GRCh38, 1-based): chr19:33,411,739, A>T on the plus strand (T>A on the coding strand, the complement: PEPD is on the minus strand). VCF-style: chr19-33411739-A-T. GRCh37 (hg19) VCF-style: chr19-33902645-A-T.
Other names: c.628T>A, p.Ser210Thr (NM_001166056.2); c.559T>A, p.Ser187Thr (NM_001166057.2); short protein forms S251T, S210T, S187T.
Identifiers: ClinVar variation 328807 (VCV000328807.8), dbSNP rs201572375, ClinGen allele CA9364150.
Genomic context (GRCh38, chr19:33,411,739, plus strand): 5'-CCCCATTCTGGATCGTTCGGTCGTTGGGAGCTCCGGCGTGTCCGTAGTGTAGCACGGCTG[A>T]GTTCTCACCACTGCAAAGAGCCGGGGGAGGGTGATCAAAGCCCATTCTTCTGCAGCAGGC-3'
Protein context (NP_000276.2, residues 241-261): YTCICGSGEN[Ser251Thr]AVLHYGHAGA

ClinVar aggregate classification (germline): Uncertain significance. Review status: criteria provided, multiple submitters, no conflicts (2 of 4 stars). 2 submissions from 2 submitters: Uncertain significance (2). Last evaluated 2022-07-25.

Conditions:
Prolidase deficiency. Identifiers: Orphanet 742, MedGen C0268532, MONDO:0008221, OMIM 170100.

Allele frequency attached by ClinVar (database versions not stated): ExAC 0.00009; gnomAD exomes 0.00012 and 0.00026; gnomAD 0.00013 and 0.00014; TOPMed 0.00015; ESP Exome Variant Server 0.00016.
gnomAD v4.1: 405 of 1,605,342 alleles (0.025%); highest among the groups gnomAD compares: Non-Finnish European, 0.032%; no homozygotes.

Submissions (2):

Labcorp Genetics (formerly Invitae), Labcorp
Classification: Uncertain significance. Last evaluated: 2022-07-25. Review status: criteria provided, single submitter. Criteria: Invitae Variant Classification Sherloc (09022015). Collection method: clinical testing. Allele origin: germline.
Comment: This sequence change replaces serine, which is neutral and polar, with threonine, which is neutral and polar, at codon 251 of the PEPD protein (p.Ser251Thr). This variant is present in population databases (rs201572375, gnomAD 0.03%). This variant has not been reported in the literature in individuals affected with PEPD-related conditions. ClinVar contains an entry for this variant (Variation ID: 328807). Algorithms developed to predict the effect of missense changes on protein structure and function (SIFT, PolyPhen-2, Align-GVGD) all suggest that this variant is likely to be tolerated. In summary, the available evidence is currently insufficient to determine the role of this variant in disease. Therefore, it has been classified as a Variant of Uncertain Significance.

Illumina Laboratory Services, Illumina
Classification: Uncertain significance for Prolidase deficiency. Last evaluated: 2018-01-13. Review status: criteria provided, single submitter. Criteria: ICSL Variant Classification Criteria 13 December 2019. Collection method: clinical testing. Allele origin: germline.